The following is an entry in ClinVar:

NM_000392.5(ABCC2):c.3045T>C (p.Tyr1015=)

Gene: ABCC2 (ATP binding cassette subfamily C member 2; plus strand). Cytogenetic location: 10q24.2.
Variant type: single nucleotide variant.
Coding change: c.3045T>C on transcript NM_000392.5 (MANE Select); coding-DNA position 3045, T replaced by C.
Protein change: p.Tyr1015=; no amino-acid change (tyrosine 1015 retained).
Molecular consequence: synonymous variant.
Genome position (GRCh38, 1-based): chr10:99,831,772, T>C. VCF-style: chr10-99831772-T-C. GRCh37 (hg19) VCF-style: chr10-101591529-T-C.
Identifiers: ClinVar variation 4979846 (VCV004979846.1).

ClinVar aggregate classification (germline): Likely benign (1 of 4 stars; one submission).

Conditions:
ABCC2-related disorder. Also called: ABCC2-related condition.

gnomAD v4.1: 9 of 1,614,106 alleles (0.00056%); highest among the groups gnomAD compares: African/African-American, 0.004%; no homozygotes.

Submission:

PreventionGenetics, part of Exact Sciences
Classification: Likely benign for ABCC2-related condition. Last evaluated: 2024-12-23. Review status: criteria provided, single submitter. Criteria: ACMG Guidelines, 2015. Collection method: clinical testing. Allele origin: germline.
Comment: This variant is classified as likely benign based on ACMG/AMP sequence variant interpretation guidelines (Richards et al. 2015 PMID: 25741868, with internal and published modifications).